The following is an entry in ClinVar:

ClinVar aggregate classification (germline): Uncertain significance. Review status: criteria provided, multiple submitters, no conflicts (2 of 4 stars). 2 submissions from 2 submitters: Uncertain significance (2). Last evaluated 2026-02-01.

Submissions (2):

CeGaT Center for Human Genetics Tuebingen
Classification: Uncertain significance. Last evaluated: 2026-02-01. Review status: criteria provided, single submitter. Criteria: CeGaT Center For Human Genetics Tuebingen Variant Classification Criteria Version 2. Collection method: clinical testing. Allele origin: germline. Affected: yes. Observed: 1 variant allele.
Comment: CIC: PM2

Women's Health and Genetics/Laboratory Corporation of America, LabCorp
Classification: Uncertain significance. Last evaluated: 2024-11-22. Review status: criteria provided, single submitter. Criteria: LabCorp Variant Classification Summary - May 2015. Collection method: clinical testing. Allele origin: germline.
Comment: Variant summary: CIC c.-10377C>T is located in the untranscribed region upstream of the CIC gene region. The variant was absent in 31358 control chromosomes. The available data on variant occurrences in the general population are insufficient to allow any conclusion about variant significance. To our knowledge, no occurrence of c.-10377C>T in individuals affected with Mental Retardation, Autosomal Dominant 45 and no experimental evidence demonstrating its impact on protein function have been reported. No submitters have cited clinical-significance assessments for this variant to ClinVar. Based on the evidence outlined above, the variant was classified as uncertain significance.

NM_001386298.1(CIC):c.2545C>T (p.Pro849Ser)

Gene: CIC (capicua transcriptional repressor; plus strand). Cytogenetic location: 19q13.2.
Variant type: single nucleotide variant.
Coding change: c.2545C>T on transcript NM_001386298.1 (MANE Select); coding-DNA position 2545, C replaced by T.
Protein change: p.Pro849Ser; replaces proline 849 with serine.
Molecular consequence: missense variant. On other transcripts: genic upstream transcript variant (1).
Genome position (GRCh38, 1-based): chr19:42,274,328, C>T. VCF-style: chr19-42274328-C-T. GRCh37 (hg19) VCF-style: chr19-42778480-C-T.
Other names: c.-10377C>T (NM_015125.5); c.2545C>T, p.Pro849Ser (NM_001304815.2, NM_001379480.1, NM_001379482.1); short protein forms P849S.
Identifiers: ClinVar variation 3629919 (VCV003629919.5).
Genomic context (GRCh38, chr19:42,274,328, plus strand): 5'-GGCACTGCTGGTGAGGTGCGGGCTGGGGGACCTGGGCGGGGCTGCCGTGAAACCCCAGTG[C>T]CCCCTGGGGTGGCCAGTGGGAAGCCTGGCCTGCCCCCACCTCTGCCAGCCCCCGTGCCCA-3'
Protein context (NP_001373227.1, residues 839-859): PGRGCRETPV[Pro849Ser]PGVASGKPGL